The following is an entry in ClinVar:

ClinVar aggregate classification (germline): Benign/Likely benign. Review status: criteria provided, multiple submitters, no conflicts (2 of 4 stars). 13 submissions from 12 submitters: Benign (10); Likely benign (1). 2 of the submissions do not count toward it. Last evaluated 2026-02-04.

Conditions:
Adult-onset citrullinemia type I. Also called: Late-onset citrullinemia. Identifiers: Orphanet 247573, MedGen C0268546, MONDO:0016601.
Citrullinemia, type II, adult-onset (CDAA). Also called: CITRIN DEFICIENCY, ADOLESCENT OR ADULT ONSET. Identifiers: Orphanet 247585, MedGen CN295299, MONDO:0011326, OMIM 603471.
Citrin deficiency. Identifiers: Orphanet 247582, MedGen C1997910, MONDO:0016602.
Citrullinemia type II. Also called: Citrullinemia Type II (CTLN2). Identifiers: Orphanet 247585, MedGen C1863844, MONDO:0016603.
Neonatal intrahepatic cholestasis due to citrin deficiency (CDNI). Also called: Neonatal Intrahepatic Cholestasis Caused by Citrin Deficiency (NICCD); CITRIN DEFICIENCY, NEONATAL OR INFANTILE ONSET; Neonatal-onset citrullinemia type II; Neonatal-onset citrullinemia type 2. Identifiers: Orphanet 247598, MedGen C1853942, MONDO:0011601, OMIM 605814.

Allele frequency attached by ClinVar (database versions not stated): ESP Exome Variant Server 0.32016; TOPMed 0.33459; gnomAD 0.34968; gnomAD exomes 0.39518; 1000 Genomes Project 30x 0.39803; 1000 Genomes Project 0.40915.
gnomAD v4.1: 601,387 of 1,607,950 alleles (37%); highest among the groups gnomAD compares: East Asian, 57%; 116,632 homozygotes.

Submissions (13):

Labcorp Genetics (formerly Invitae), Labcorp
Classification: Benign for Citrin deficiency. Last evaluated: 2026-02-04. Review status: criteria provided, single submitter. Criteria: Invitae Variant Classification Sherloc (09022015). Collection method: clinical testing. Allele origin: germline.

Women's Health and Genetics/Laboratory Corporation of America, LabCorp
Classification: Benign. Last evaluated: 2025-09-19. Review status: criteria provided, single submitter. Criteria: LabCorp Variant Classification Summary - May 2015. Collection method: clinical testing. Allele origin: germline.

Blueprint Genetics
Classification: Likely benign. Last evaluated: 2024-11-27. Review status: criteria provided, single submitter. Criteria: ACMG Guidelines, 2015. Collection method: clinical testing. Allele origin: germline.

Mayo Clinic Laboratories, Mayo Clinic
Classification: Benign. Last evaluated: 2022-05-05. Review status: criteria provided, single submitter. Criteria: ACMG Guidelines, 2015. Collection method: clinical testing. Allele origin: germline. Observed: 353 variant alleles.

Genome-Nilou Lab
Classification: Benign for Citrullinemia, type II, adult-onset. Last evaluated: 2021-07-01. Review status: criteria provided, single submitter. Criteria: ACMG Guidelines, 2015. Collection method: clinical testing. Allele origin: germline. Affected: no.

Genome-Nilou Lab
Classification: Benign for Neonatal intrahepatic cholestasis due to citrin deficiency. Last evaluated: 2021-07-01. Review status: criteria provided, single submitter. Criteria: ACMG Guidelines, 2015. Collection method: clinical testing. Allele origin: germline. Affected: no.

ARUP Laboratories, Molecular Genetics and Genomics, ARUP Laboratories
Classification: Benign. Last evaluated: 2018-12-07. Review status: criteria provided, single submitter. Criteria: ARUP Molecular Germline Variant Investigation Process. Collection method: clinical testing. Allele origin: germline.

Illumina Laboratory Services, Illumina
Classification: Benign for Citrullinemia, type II, adult-onset. Last evaluated: 2018-01-12. Review status: criteria provided, single submitter. Criteria: ICSL Variant Classification Criteria 13 December 2019. Collection method: clinical testing. Allele origin: germline.
Comment: This variant was observed in the ICSL laboratory as part of a predisposition screen in an ostensibly healthy population. It had not been previously curated by ICSL or reported in the Human Gene Mutation Database (HGMD: prior to June 1st, 2018), and was therefore a candidate for classification through an automated scoring system. Utilizing variant allele frequency, disease prevalence and penetrance estimates, and inheritance mode, an automated score was calculated to assess if this variant is too frequent to cause the disease. Based on the score and internal cut-off values, a variant classified as benign is not then subjected to further curation. The score for this variant resulted in a classification of benign for this disease.

GeneDx
Classification: Benign. Last evaluated: 2015-03-03. Review status: criteria provided, single submitter. Criteria: GeneDx Variant Classification Process June 2021. Collection method: clinical testing. Allele origin: germline. Affected: yes.

Breakthrough Genomics
Classification: Benign. Review status: criteria provided, single submitter. Criteria: ACMG Guidelines, 2015. Collection method: not provided. Allele origin: germline. Inheritance: Autosomal recessive inheritance. Affected: yes.

PreventionGenetics, part of Exact Sciences
Classification: Benign. Review status: criteria provided, single submitter. Criteria: ACMG Guidelines, 2015. Collection method: clinical testing. Allele origin: germline.

Natera, Inc.
Classification: Benign for Late-onset citrullinemia. Last evaluated: 2020-09-16. Review status: no assertion criteria provided. Collection method: clinical testing. Allele origin: germline. Not counted in ClinVar's aggregate classification.

Department of Pathology and Laboratory Medicine, Sinai Health System
Classification: Uncertain significance. Review status: no assertion criteria provided. Collection method: clinical testing. Allele origin: unknown. Affected: yes. Study: The Canadian Open Genetics Repository (COGR). Not counted in ClinVar's aggregate classification.
Comment: Allele frequency is common in at least one population database (frequency: 57.961% in ExAC) based on the frequency threshold of 1.504% for this gene. Variant was observed in a homozygous state in population databases more than expected for disease. 4 reputable source/s reports the variant as benign, but the evidence is not available to the laboratory to perform an independent evaluation. A synonymous variant not located in a splice region.

NM_014251.3(SLC25A13):c.1194A>G (p.Leu398=)

Gene: SLC25A13 (solute carrier family 25 member 13; minus strand). Cytogenetic location: 7q21.3.
Variant type: single nucleotide variant.
Coding change: c.1194A>G on transcript NM_014251.3 (MANE Select); coding-DNA position 1194, A replaced by G.
Protein change: p.Leu398=; no amino-acid change (leucine 398 retained).
Molecular consequence: synonymous variant. On other transcripts: non-coding transcript variant (1).
Genome position (GRCh38, 1-based): chr7:96,171,508, T>C on the plus strand (A>G on the coding strand, the complement: SLC25A13 is on the minus strand). VCF-style: chr7-96171508-T-C. GRCh37 (hg19) VCF-style: chr7-95800820-T-C.
Other names: p.Leu398=; c.1197A>G, p.Leu399= (NM_001160210.2).
Identifiers: ClinVar variation 260370 (VCV000260370.33), dbSNP rs2301629, ClinGen allele CA4353010.
Genomic context (GRCh38, chr7:96,171,508, plus strand): 5'-GAAGCACCAACTCAAAAGACTTACTGTAAGTTTTATGGCCTTCTCTGGGGCAACTCCCAA[T>C]AACTGTGGCAACAGACCTAAAAATCAACAAAAAGTAGAAGTATATTAAATAAATTAGCAT-3'
Protein context (NP_055066.1, residues 388-408): FGLYRGLLPQ[Leu398=]LGVAPEKAIK